The following is an entry in ClinVar:

NM_001197104.2(KMT2A):c.4972C>T (p.Arg1658Trp)

Gene: KMT2A (lysine methyltransferase 2A; plus strand). Cytogenetic location: 11q23.3.
Variant type: single nucleotide variant.
Coding change: c.4972C>T on transcript NM_001197104.2 (MANE Select); coding-DNA position 4972, C replaced by T.
Protein change: p.Arg1658Trp; replaces arginine 1658 with tryptophan.
Molecular consequence: missense variant.
Genome position (GRCh38, 1-based): chr11:118,491,896, C>T. VCF-style: chr11-118491896-C-T. GRCh37 (hg19) VCF-style: chr11-118362611-C-T.
Other names: c.5062C>T, p.Arg1688Trp (NM_001412597.1); c.4963C>T, p.Arg1655Trp (NM_005933.4); short protein forms R1655W, R1658W, R1688W.
Identifiers: ClinVar variation 1951102 (VCV001951102.5), dbSNP rs373435126, ClinGen allele CA6303978.

ClinVar aggregate classification (germline): Uncertain significance (1 of 4 stars; one submission).

Allele frequency attached by ClinVar (database versions not stated): 1000 Genomes Project 30x 0.00016; 1000 Genomes Project 0.00020.
gnomAD v4.1: 16 of 1,613,736 alleles (0.00099%); highest among the groups gnomAD compares: East Asian, 0.0045%; no homozygotes.

Submission:

Labcorp Genetics (formerly Invitae), Labcorp
Classification: Uncertain significance. Last evaluated: 2024-03-18. Review status: criteria provided, single submitter. Criteria: Invitae Variant Classification Sherloc (09022015). Collection method: clinical testing. Allele origin: germline.
Comment: This sequence change replaces arginine, which is basic and polar, with tryptophan, which is neutral and slightly polar, at codon 1658 of the KMT2A protein (p.Arg1658Trp). This variant is present in population databases (rs373435126, gnomAD 0.005%). This missense change has been observed in individual(s) with unspecified neurodevelopmental disorder (PMID: 28191889). ClinVar contains an entry for this variant (Variation ID: 1951102). Advanced modeling of protein sequence and biophysical properties (such as structural, functional, and spatial information, amino acid conservation, physicochemical variation, residue mobility, and thermodynamic stability) has been performed at Invitae for this missense variant, however the output from this modeling did not meet the statistical confidence thresholds required to predict the impact of this variant on KMT2A protein function. In summary, the available evidence is currently insufficient to determine the role of this variant in disease. Therefore, it has been classified as a Variant of Uncertain Significance.

Literature cited by the submitters: PubMed 28191889.